The following is an entry in ClinVar:

NM_019842.4(KCNQ5):c.1568G>A (p.Arg523Gln)

Gene: KCNQ5 (potassium voltage-gated channel subfamily Q member 5; plus strand). Cytogenetic location: 6q13.
Variant type: single nucleotide variant.
Coding change: c.1568G>A on transcript NM_019842.4 (MANE Select); coding-DNA position 1568, G replaced by A.
Protein change: p.Arg523Gln; replaces arginine 523 with glutamine.
Molecular consequence: missense variant. On other transcripts: intron variant (1).
Genome position (GRCh38, 1-based): chr6:73,169,845, G>A. VCF-style: chr6-73169845-G-A. GRCh37 (hg19) VCF-style: chr6-73879568-G-A.
Other names: c.1541G>A, p.Arg514Gln (NM_001160130.2); c.1598G>A, p.Arg533Gln (NM_001160132.2); c.1625G>A, p.Arg542Gln (NM_001160133.2); c.1248-20728G>A (NM_001160134.2); short protein forms R514Q, R542Q, R533Q, R523Q.
Identifiers: ClinVar variation 1473813 (VCV001473813.10), dbSNP rs372957711, ClinGen allele CA3887089.

ClinVar aggregate classification (germline): Conflicting classifications of pathogenicity. Review status: criteria provided, conflicting classifications (1 of 4 stars). 2 submissions from 2 submitters: Uncertain significance (1); Benign (1). Last evaluated 2024-09-23.

Conditions:
Intellectual developmental disorder, autosomal dominant 46. Also called: MENTAL RETARDATION, AUTOSOMAL DOMINANT 46; Intellectual disability, autosomal dominant 46. Identifiers: MedGen C4539851, MONDO:0030911, OMIM 617601.

Allele frequency attached by ClinVar (database versions not stated): gnomAD exomes 0.00001; TOPMed 0.00001; gnomAD 0.00002; ExAC 0.00002; ESP Exome Variant Server 0.00008.
gnomAD v4.1: 16 of 1,602,930 alleles (0.001%); highest among the groups gnomAD compares: African/African-American, 0.0027%; no homozygotes.

Submissions (2):

Labcorp Genetics (formerly Invitae), Labcorp
Classification: Benign. Last evaluated: 2024-09-23. Review status: criteria provided, single submitter. Criteria: Invitae Variant Classification Sherloc (09022015). Collection method: clinical testing. Allele origin: germline.

Juno Genomics, Hangzhou Juno Genomics, Inc
Classification: Uncertain significance for Intellectual developmental disorder, autosomal dominant 46. Review status: criteria provided, single submitter. Criteria: ACMG Guidelines, 2015. Collection method: clinical testing. Allele origin: germline.
Comment: Absent from controls (or at extremely low frequency if recessive) in Genome Aggregation Database.;Missense variant in a gene that has a low rate of benign missense variation.;Multiple lines of computational evidence support a deleterious effect on the gene or gene product.